The following is an entry in ClinVar:

NM_001041.4(SI):c.4240G>C (p.Glu1414Gln)

Gene: SI (sucrase-isomaltase; minus strand). Cytogenetic location: 3q26.1.
Variant type: single nucleotide variant.
Coding change: c.4240G>C on transcript NM_001041.4 (MANE Select); coding-DNA position 4240, G replaced by C.
Protein change: p.Glu1414Gln; replaces glutamic acid 1414 with glutamine.
Molecular consequence: missense variant.
Genome position (GRCh38, 1-based): chr3:165,007,938, C>G on the plus strand (G>C on the coding strand, the complement: SI is on the minus strand). VCF-style: chr3-165007938-C-G. GRCh37 (hg19) VCF-style: chr3-164725726-C-G.
Other names: short protein forms E1414Q.
Identifiers: ClinVar variation 1403028 (VCV001403028.7), dbSNP rs145734588, ClinGen allele CA2689970.

ClinVar aggregate classification (germline): Uncertain significance. Review status: criteria provided, multiple submitters, no conflicts (2 of 4 stars). 2 submissions from 2 submitters: Uncertain significance (2). Last evaluated 2024-03-28.

Conditions:
Sucrase-isomaltase deficiency (CSID). Also called: SI DEFICIENCY; Congenital sucrose isomaltose malabsorption; Sucrose isomaltose enzyme deficiency; Deficiency of isomaltase. Identifiers: Orphanet 35122, MedGen C1283620, MONDO:0009114, OMIM 222900.

gnomAD v4.1: 48 of 1,597,214 alleles (0.003%); highest among the groups gnomAD compares: Non-Finnish European, 0.0039%; no homozygotes.

Submissions (2):

Fulgent Genetics
Classification: Uncertain significance for Sucrase-isomaltase deficiency. Last evaluated: 2024-03-28. Review status: criteria provided, single submitter. Criteria: ACMG Guidelines, 2015. Collection method: clinical testing. Allele origin: germline.

Labcorp Genetics (formerly Invitae), Labcorp
Classification: Uncertain significance. Last evaluated: 2020-11-04. Review status: criteria provided, single submitter. Criteria: Invitae Variant Classification Sherloc (09022015). Collection method: clinical testing. Allele origin: germline.
Comment: In summary, the available evidence is currently insufficient to determine the role of this variant in disease. Therefore, it has been classified as a Variant of Uncertain Significance. Advanced modeling of protein sequence and biophysical properties (such as structural, functional, and spatial information, amino acid conservation, physicochemical variation, residue mobility, and thermodynamic stability) performed at Invitae indicates that this missense variant is not expected to disrupt SI protein function. This variant has not been reported in the literature in individuals with SI-related conditions. This variant is present in population databases (rs145734588, ExAC 0.003%). This sequence change replaces glutamic acid with glutamine at codon 1414 of the SI protein (p.Glu1414Gln). The glutamic acid residue is weakly conserved and there is a small physicochemical difference between glutamic acid and glutamine.